The following is an entry in ClinVar:

NM_001005361.3(DNM2):c.1840G>A (p.Asp614Asn)

Gene: DNM2 (dynamin 2; plus strand). Cytogenetic location: 19p13.2.
Variant type: single nucleotide variant.
Coding change: c.1840G>A on transcript NM_001005361.3 (MANE Select); coding-DNA position 1840, G replaced by A.
Protein change: p.Asp614Asn; replaces aspartic acid 614 with asparagine.
Molecular consequence: missense variant.
Genome position (GRCh38, 1-based): chr19:10,823,846, G>A. VCF-style: chr19-10823846-G-A. GRCh37 (hg19) VCF-style: chr19-10934522-G-A.
Other names: NM_001005361.3(DNM2):c.1840G>A; p.Asp614Asn; c.1840G>A, p.Asp614Asn (NM_001005360.3, NM_001190716.2); c.1828G>A, p.Asp610Asn (NM_001005362.3, NM_004945.4); short protein forms D610N, D614N.
Identifiers: ClinVar variation 1705621 (VCV001705621.2), dbSNP rs2513348956, ClinGen allele CA404041025.
Genomic context (GRCh38, chr19:10,823,846, plus strand): 5'-AGAAACGTCTACAAGGACCTGCGGCAGATCGAGCTGGCCTGTGACTCCCAGGAAGACGTG[G>A]ACAGCTGGAAGGCCTCGTTCCTCCGAGCTGGCGTCTACCCCGAGAAGGACCAGGTGAGGA-3'
Protein context (NP_001005361.1, residues 604-624): ELACDSQEDV[Asp614Asn]SWKASFLRAG

ClinVar aggregate classification (germline): Likely pathogenic. Review status: reviewed by expert panel (3 of 4 stars). 3 submissions from 3 submitters: Likely pathogenic (1). 2 of the submissions do not count toward it. Last evaluated 2025-05-12.

Conditions:
Charcot-Marie-Tooth disease dominant intermediate B (CMTDIB). Also called: Charcot-Marie-Tooth disease dominant intermediate 1; CMT DI1; Charcot-Marie-Tooth disease dominant intermediate I; CHARCOT-MARIE-TOOTH NEUROPATHY, DOMINANT INTERMEDIATE B. Identifiers: Orphanet 100044, Orphanet 228179, MedGen C1847902, MONDO:0011674, OMIM 606482.
Autosomal dominant centronuclear myopathy. Also called: MYOTUBULAR MYOPATHY, AUTOSOMAL DOMINANT; Myopathy, centronuclear, 3. Identifiers: Orphanet 169189, MedGen C4551952, MeSH D020914, MONDO:0008048, OMIM 160150.
Centronuclear myopathy (CNM). Also called: Centronuclear myopathy, congenital; Myotubular myopathy. Identifiers: Orphanet 595, MedGen C0175709, MONDO:0018947. Inheritance: All.

Submissions (3):

ClinGen Congenital Myopathies Variant Curation Expert Panel, ClinGen
Classification: Likely pathogenic for Centronuclear myopathy. Last evaluated: 2025-05-12. Review status: reviewed by expert panel. Criteria: ClinGen CongenMyopathy ACMG Specifications DNM2 V1.0.0. Collection method: curation. Allele origin: germline. Inheritance: Autosomal dominant inheritance.
Comment: The variant NM_001005361.3:c.1840G>A in DNM2 is a missense variant predicted to cause substitution of aspartic acid by asparagine at amino acid 614 (p.Asp614Asn). The variant is absent from gnomAD v4.1.0 (PM2_Supporting). The REVEL computational prediction analysis tool produced a score of 0.549, which does not meet any codes. DNM2, in which the variant was identified, is defined by the ClinGen Congenital Myopathies VCEP as a gene that has a low rate of benign missense variation and where pathogenic missense variants are a common mechanism of disease (PP2). This variant has been reported in one proband who presented with distal weakness, radial distribution of sarcoplasmic strands in the majority of type I fibers, and characteristic muscle imaging (0.5pt, PS4_Moderate; PMID: 23374900). In addition, the family had four affected segregations reported (PP1_Moderate; PMID: 23374900). In summary, the variant meets criteria to be classified as likely pathogenic for centronuclear myopathy. ACMG/AMP criteria met, as specified by the congenital myopathies VCEP (Specification Version 1): PS4_Moderate, PP1_Moderate, PM2_Supporting, PP2 (ClinGen Congenital Myopathies VCEP specifications version 1; May 12th, 2025).

3billion
Classification: Likely pathogenic for Autosomal dominant centronuclear myopathy. Last evaluated: 2022-09-01. Review status: criteria provided, single submitter. Criteria: ACMG Guidelines, 2015. Collection method: clinical testing. Allele origin: germline. Affected: yes. Observed: 1 heterozygote. Not counted in ClinVar's aggregate classification.
Comment: The variant is not observed in the gnomAD v2.1.1 dataset. Missense changes are a common disease-causing mechanism. In silico tool predictions suggest damaging effect of the variant on gene or gene product (REVEL: 0.55; 3Cnet: 0.80). Same nucleotide change resulting in same amino acid change has been previously reported to be associated with DNM2-related disorder (PMID: 23374900). The variant has been reported to co-segregate with the disease in at least 3 similarly affected relatives/individuals in the same family or similarly affected unrelated families (PMID: 23374900). Therefore, this variant is classified as Likely pathogenic according to the recommendation of ACMG/AMP guideline.

Inherited Neuropathy Consortium Ii, University Of Miami
Classification: Uncertain significance for Charcot-Marie-Tooth disease dominant intermediate B. Last evaluated: 2016-01-06. Review status: no assertion criteria provided. Collection method: literature only. Allele origin: germline. Affected: yes. Not counted in ClinVar's aggregate classification.

Literature cited by the submitters: PubMed 23374900 (cited by 3billion and Inherited Neuropathy Consortium Ii, University Of Miami).